The following is an entry in ClinVar:

NM_005529.7(HSPG2):c.12932G>T (p.Gly4311Val)

Genes: HSPG2 (heparan sulfate proteoglycan 2; minus strand), LDLRAD2 (low density lipoprotein receptor class A domain containing 2; plus strand). Cytogenetic location: 1p36.12.
Variant type: single nucleotide variant.
Coding change: c.12932G>T on transcript NM_005529.7 (MANE Select); coding-DNA position 12932, G replaced by T.
Protein change: p.Gly4311Val; replaces glycine 4311 with valine.
Molecular consequence: missense variant. On other transcripts: 3 prime UTR variant (1).
Genome position (GRCh38, 1-based): chr1:21,823,687, C>A on the plus strand (G>T on the coding strand, the complement: HSPG2 is on the minus strand). VCF-style: chr1-21823687-C-A. GRCh37 (hg19) VCF-style: chr1-22150180-C-A.
Other names: c.12935G>T, p.Gly4312Val (NM_001291860.2); c.*1472C>A (NM_001013693.3); short protein forms G4311V, G4312V.
Identifiers: ClinVar variation 4773885 (VCV004773885.1).

ClinVar aggregate classification (germline): Uncertain significance (1 of 4 stars; one submission).

Submission:

Labcorp Genetics (formerly Invitae), Labcorp
Classification: Uncertain significance. Last evaluated: 2026-01-26. Review status: criteria provided, single submitter. Criteria: Invitae Variant Classification Sherloc (09022015). Collection method: clinical testing. Allele origin: germline.
Comment: This sequence change replaces glycine, which is neutral and non-polar, with valine, which is neutral and non-polar, at codon 4311 of the HSPG2 protein (p.Gly4311Val). This variant is not present in population databases (gnomAD no frequency). This variant has not been reported in the literature in individuals affected with HSPG2-related conditions. An algorithm developed to predict the effect of missense changes on protein structure and function (PolyPhen-2) suggests that this variant is likely to be disruptive. In summary, the available evidence is currently insufficient to determine the role of this variant in disease. Therefore, it has been classified as a Variant of Uncertain Significance.